The following is an entry in ClinVar:

NM_012188.5(FOXI1):c.201G>A (p.Gly67=)

Gene: FOXI1 (forkhead box I1; plus strand). Cytogenetic location: 5q35.1.
Variant type: single nucleotide variant.
Coding change: c.201G>A on transcript NM_012188.5 (MANE Select); coding-DNA position 201, G replaced by A.
Protein change: p.Gly67=; no amino-acid change (glycine 67 retained).
Molecular consequence: synonymous variant.
Genome position (GRCh38, 1-based): chr5:170,106,158, G>A. VCF-style: chr5-170106158-G-A. GRCh37 (hg19) VCF-style: chr5-169533162-G-A.
Other names: c.201G>A, p.Gly67= (NM_144769.4); c.201G>A (NM_012188.4).
Identifiers: ClinVar variation 2173055 (VCV002173055.5), dbSNP rs138668268, ClinGen allele CA3554976.

ClinVar aggregate classification (germline): Likely benign. Review status: criteria provided, multiple submitters, no conflicts (2 of 4 stars). 2 submissions from 2 submitters: Likely benign (2). Last evaluated 2026-01-11.

Conditions:
FOXI1-related disorder. Also called: FOXI1-related condition.

Allele frequency attached by ClinVar (database versions not stated): ExAC 0.00004; gnomAD 0.00012; TOPMed 0.00015; ESP Exome Variant Server 0.00023; gnomAD exomes 0.00025.

Submissions (2):

Labcorp Genetics (formerly Invitae), Labcorp
Classification: Likely benign. Last evaluated: 2026-01-11. Review status: criteria provided, single submitter. Criteria: Invitae Variant Classification Sherloc (09022015). Collection method: clinical testing. Allele origin: germline.

PreventionGenetics, part of Exact Sciences
Classification: Likely benign for FOXI1-related condition. Last evaluated: 2026-01-02. Review status: criteria provided, single submitter. Criteria: ACMG Guidelines, 2015. Collection method: clinical testing. Allele origin: germline.
Comment: This variant is classified as likely benign based on ACMG/AMP sequence variant interpretation guidelines (Richards et al. 2015 PMID: 25741868, with internal and published modifications).